The following is an entry in ClinVar:

NM_015338.6(ASXL1):c.4407A>G (p.Gly1469=)

Gene: ASXL1 (ASXL transcriptional regulator 1; plus strand). Cytogenetic location: 20q11.21.
Variant type: single nucleotide variant.
Coding change: c.4407A>G on transcript NM_015338.6 (MANE Select); coding-DNA position 4407, A replaced by G.
Protein change: p.Gly1469=; no amino-acid change (glycine 1469 retained).
Molecular consequence: synonymous variant.
Genome position (GRCh38, 1-based): chr20:32,437,119, A>G. VCF-style: chr20-32437119-A-G. GRCh37 (hg19) VCF-style: chr20-31024922-A-G.
Other names: c.4224A>G, p.Gly1408= (NM_001363734.1).
Identifiers: ClinVar variation 732556 (VCV000732556.34), dbSNP rs751551731, ClinGen allele CA9809021.

ClinVar aggregate classification (germline): Likely benign. Review status: criteria provided, multiple submitters, no conflicts (2 of 4 stars). 4 submissions from 4 submitters: Likely benign (4). Last evaluated 2025-05-27.

Conditions:
Inborn genetic diseases. Identifiers: MedGen C0950123, MeSH D030342.

Allele frequency attached by ClinVar (database versions not stated): gnomAD 0.00002; TOPMed 0.00003; gnomAD exomes 0.00005 and 0.00006; ExAC 0.00011.
gnomAD v4.1: 73 of 1,614,042 alleles (0.0045%); highest among the groups gnomAD compares: Non-Finnish European, 0.0061%; no homozygotes.

Submissions (4):

Labcorp Genetics (formerly Invitae), Labcorp
Classification: Likely benign. Last evaluated: 2025-05-27. Review status: criteria provided, single submitter. Criteria: Invitae Variant Classification Sherloc (09022015). Collection method: clinical testing. Allele origin: germline.

Ambry Genetics
Classification: Likely benign for Inborn genetic diseases. Last evaluated: 2024-11-17. Review status: criteria provided, single submitter. Criteria: Ambry Variant Classification Scheme 2023. Collection method: clinical testing. Allele origin: germline.

Blueprint Genetics
Classification: Likely benign. Last evaluated: 2024-04-24. Review status: criteria provided, single submitter. Criteria: ACMG Guidelines, 2015. Collection method: clinical testing. Allele origin: germline.

CeGaT Center for Human Genetics Tuebingen
Classification: Likely benign. Last evaluated: 2022-04-01. Review status: criteria provided, single submitter. Criteria: CeGaT Center For Human Genetics Tuebingen Variant Classification Criteria Version 2. Collection method: clinical testing. Allele origin: germline. Affected: yes. Observed: 1 variant allele.
Comment: ASXL1: BP4, BP7